The following is an entry in ClinVar:

ClinVar aggregate classification (germline): Uncertain significance (1 of 4 stars; one submission).

Conditions:
Inborn genetic diseases. Identifiers: MedGen C0950123, MeSH D030342.

Submission:

Ambry Genetics
Classification: Uncertain significance for Inborn genetic diseases. Last evaluated: 2025-11-23. Review status: criteria provided, single submitter. Criteria: Ambry Variant Classification Scheme 2023. Collection method: clinical testing. Allele origin: germline.
Comment: The p.I681M variant (also known as c.2043C>G), located in coding exon 14 of the ERCC6L2 gene, results from a C to G substitution at nucleotide position 2043. The isoleucine at codon 681 is replaced by methionine, an amino acid with highly similar properties. This amino acid position is conserved. In addition, this alteration is predicted to be tolerated by in silico analysis. Based on the available evidence, the clinical significance of this variant remains unclear.

NM_020207.7(ERCC6L2):c.2043C>G (p.Ile681Met)

Gene: ERCC6L2 (ERCC excision repair 6 like 2; plus strand). Cytogenetic location: 9q22.32.
Variant type: single nucleotide variant.
Coding change: c.2043C>G on transcript NM_020207.7 (MANE Select); coding-DNA position 2043, C replaced by G.
Protein change: p.Ile681Met; replaces isoleucine 681 with methionine.
Molecular consequence: missense variant. On other transcripts: non-coding transcript variant (1).
Genome position (GRCh38, 1-based): chr9:95,966,657, C>G. VCF-style: chr9-95966657-C-G. GRCh37 (hg19) VCF-style: chr9-98728939-C-G.
Other names: c.2043C>G, p.Ile681Met (NM_001010895.4, NM_001375291.1, NM_001375292.1 and 2 more transcripts); short protein forms I681M.
Identifiers: ClinVar variation 4618764 (VCV004618764.1).